The following is an entry in ClinVar:

ClinVar aggregate classification (germline): Uncertain significance (1 of 4 stars; one submission).

Submission:

Labcorp Genetics (formerly Invitae), Labcorp
Classification: Uncertain significance. Last evaluated: 2021-10-16. Review status: criteria provided, single submitter. Criteria: Invitae Variant Classification Sherloc (09022015). Collection method: clinical testing. Allele origin: germline.
Comment: This variant has not been reported in the literature in individuals affected with PLOD3-related conditions. In summary, the available evidence is currently insufficient to determine the role of this variant in disease. Therefore, it has been classified as a Variant of Uncertain Significance. Experimental studies and prediction algorithms are not available or were not evaluated, and the functional significance of this variant is currently unknown. This variant results in a copy number gain of the genomic region encompassing exon(s) 18-19 of the PLOD3 gene. This region includes the termination codon of the gene. This copy number gain extends beyond the assayed region for this gene and therefore may encompass additional genes. As the precise location of this event is unknown, it may be in tandem or it may be located elsewhere in the genome.

NC_000007.13:g.(?_100849562)_(100850205_?)dup

Gene: PLOD3 (procollagen-lysine,2-oxoglutarate 5-dioxygenase 3; minus strand). Cytogenetic location: 7q22.1.
Variant type: Duplication.
Identifiers: ClinVar variation 1442848 (VCV001442848.4).